The following is an entry in ClinVar:

ClinVar aggregate classification (germline): Uncertain significance (1 of 4 stars; one submission).

gnomAD v4.1: 1 of 1,614,164 alleles (0.000062%); highest among the groups gnomAD compares: Non-Finnish European, 0.000085%; no homozygotes.

Submission:

Mayo Clinic Laboratories, Mayo Clinic
Classification: Uncertain significance. Last evaluated: 2025-03-11. Review status: criteria provided, single submitter. Criteria: ACMG Guidelines, 2015. Collection method: clinical testing. Allele origin: germline. Observed: 1 variant allele.
Comment: PP3, PM2_supporting

NM_000466.3(PEX1):c.2020C>G (p.Pro674Ala)

Gene: PEX1 (peroxisomal biogenesis factor 1; minus strand). Cytogenetic location: 7q21.2.
Variant type: single nucleotide variant.
Coding change: c.2020C>G on transcript NM_000466.3 (MANE Select); coding-DNA position 2020, C replaced by G.
Protein change: p.Pro674Ala; replaces proline 674 with alanine.
Molecular consequence: missense variant. On other transcripts: intron variant (1).
Genome position (GRCh38, 1-based): chr7:92,504,783, G>C on the plus strand (C>G on the coding strand, the complement: PEX1 is on the minus strand). VCF-style: chr7-92504783-G-C. GRCh37 (hg19) VCF-style: chr7-92134097-G-C.
Other names: p.Pro674Ala; c.1396C>G, p.Pro466Ala (NM_001282678.2); c.1900+1465C>G (NM_001282677.2); short protein forms P674A, P466A.
Identifiers: ClinVar variation 4541307 (VCV004541307.1).